The following is an entry in ClinVar:

NM_000053.4(ATP7B):c.4356G>A (p.Trp1452Ter)

Gene: ATP7B (ATPase copper transporting beta; minus strand). Cytogenetic location: 13q14.3.
Variant type: single nucleotide variant.
Coding change: c.4356G>A on transcript NM_000053.4 (MANE Select); coding-DNA position 4356, G replaced by A.
Protein change: p.Trp1452Ter; replaces tryptophan 1452 with a stop codon.
Molecular consequence: nonsense.
Genome position (GRCh38, 1-based): chr13:51,934,798, C>T on the plus strand (G>A on the coding strand, the complement: ATP7B is on the minus strand). VCF-style: chr13-51934798-C-T. GRCh37 (hg19) VCF-style: chr13-52508934-C-T.
Other names: c.3735G>A, p.Trp1245Ter (NM_001005918.3); c.4023G>A, p.Trp1341Ter (NM_001243182.2); c.4122G>A, p.Trp1374Ter (NM_001330578.2, NM_001406527.1, NM_001406528.1); c.4104G>A, p.Trp1368Ter (NM_001330579.2, NM_001406531.1, NM_001406532.1); c.4356G>A, p.Trp1452Ter (NM_001406511.1, NM_001406512.1); c.4260G>A, p.Trp1420Ter (NM_001406517.1, NM_001406518.1); c.4221G>A, p.Trp1407Ter (NM_001406519.1); c.4212G>A, p.Trp1404Ter (NM_001406520.1, NM_001406521.1, NM_001406522.1); and 21 more; short protein forms W1245*, W1258*, W1288*, W1356*, W1387*, W1393*, W1434*, W1022*.
Identifiers: ClinVar variation 2793157 (VCV002793157.4), dbSNP rs1341172185, ClinGen allele CA388018852.
Genomic context (GRCh38, chr13:51,934,798, plus strand): 5'-CCCGCCTGCCTGAAGTCATCAGATGTACTGCTCCTCATCCCTGCCATTCAGGAGCAGAGA[C>T]CACTTGTCCCCATCATCGTCTGCTGCAGCGCTGTGCCGAGATGGCTTGTCGGACGTCAGG-3'

ClinVar aggregate classification (germline): Pathogenic/Likely pathogenic. Review status: criteria provided, multiple submitters, no conflicts (2 of 4 stars). 2 submissions from 2 submitters: Pathogenic (1); Likely pathogenic (1). Last evaluated 2024-01-02.

Conditions:
Wilson disease (WND). Also called: Wilson's disease. Identifiers: Orphanet 905, MedGen C0019202, MONDO:0010200, OMIM 277900. Disease mechanism: loss of function.

Submissions (2):

Baylor Genetics
Classification: Likely pathogenic for Wilson disease. Last evaluated: 2024-01-02. Review status: criteria provided, single submitter. Criteria: ACMG Guidelines, 2015. Collection method: clinical testing. Allele origin: unknown.

Labcorp Genetics (formerly Invitae), Labcorp
Classification: Pathogenic for Wilson disease. Last evaluated: 2022-11-18. Review status: criteria provided, single submitter. Criteria: Invitae Variant Classification Sherloc (09022015). Collection method: clinical testing. Allele origin: germline.
Comment: This sequence change creates a premature translational stop signal (p.Trp1452*) in the ATP7B gene. While this is not anticipated to result in nonsense mediated decay, it is expected to disrupt the last 14 amino acid(s) of the ATP7B protein. This variant is not present in population databases (gnomAD no frequency). For these reasons, this variant has been classified as Pathogenic. This variant disrupts a region of the ATP7B protein in which other variant(s) (p.Arg1459Glyfs*2) have been determined to be pathogenic (PMID: 26799313). This suggests that this is a clinically significant region of the protein, and that variants that disrupt it are likely to be disease-causing. This variant has not been reported in the literature in individuals affected with ATP7B-related conditions.

Literature cited by the submitters: PubMed 26799313 (cited by Labcorp Genetics (formerly Invitae), Labcorp).